The following is an entry in ClinVar:

ClinVar aggregate classification (germline): Uncertain significance (1 of 4 stars; one submission).

Conditions:
Hereditary sensory and autonomic neuropathy with spastic paraplegia (HSNSP). Identifiers: Orphanet 139578, MedGen C1850395, MONDO:0009748, OMIM 256840.

Submission:

Labcorp Genetics (formerly Invitae), Labcorp
Classification: Uncertain significance for Hereditary sensory and autonomic neuropathy with spastic paraplegia. Last evaluated: 2024-12-18. Review status: criteria provided, single submitter. Criteria: Invitae Variant Classification Sherloc (09022015). Collection method: clinical testing. Allele origin: germline.
Comment: This sequence change replaces glycine, which is neutral and non-polar, with arginine, which is basic and polar, at codon 5 of the CCT5 protein (p.Gly5Arg). This variant is not present in population databases (gnomAD no frequency). This variant has not been reported in the literature in individuals affected with CCT5-related conditions. ClinVar contains an entry for this variant (Variation ID: 2722693). Experimental studies and prediction algorithms are not available or were not evaluated, and the functional significance of this variant is currently unknown. In summary, the available evidence is currently insufficient to determine the role of this variant in disease. Therefore, it has been classified as a Variant of Uncertain Significance.

NM_012073.5(CCT5):c.13G>A (p.Gly5Arg)

Gene: CCT5 (chaperonin containing TCP1 subunit 5; plus strand). Cytogenetic location: 5p15.2.
Variant type: single nucleotide variant.
Coding change: c.13G>A on transcript NM_012073.5 (MANE Select); coding-DNA position 13, G replaced by A.
Protein change: p.Gly5Arg; replaces glycine 5 with arginine.
Molecular consequence: missense variant. On other transcripts: intron variant (1).
Genome position (GRCh38, 1-based): chr5:10,250,353, G>A. VCF-style: chr5-10250353-G-A. GRCh37 (hg19) VCF-style: chr5-10250465-G-A.
Other names: c.13G>A, p.Gly5Arg (NM_001306154.2); c.42+308G>A (NM_001306153.1); short protein forms G5R.
Identifiers: ClinVar variation 2722693 (VCV002722693.3), dbSNP rs1224070336, ClinGen allele CA359179069.